The following is an entry in ClinVar:

NM_001999.4(FBN2):c.6113C>G (p.Ser2038Cys)

Gene: FBN2 (fibrillin 2; minus strand). Cytogenetic location: 5q23.3.
Variant type: single nucleotide variant.
Coding change: c.6113C>G on transcript NM_001999.4 (MANE Select); coding-DNA position 6113, C replaced by G.
Protein change: p.Ser2038Cys; replaces serine 2038 with cysteine.
Molecular consequence: missense variant.
Genome position (GRCh38, 1-based): chr5:128,300,870, G>C on the plus strand (C>G on the coding strand, the complement: FBN2 is on the minus strand). VCF-style: chr5-128300870-G-C. GRCh37 (hg19) VCF-style: chr5-127636562-G-C.
Other names: p.Ser2038Cys; short protein forms S2038C.
Identifiers: ClinVar variation 3380995 (VCV003380995.1).

ClinVar aggregate classification (germline): Likely pathogenic (1 of 4 stars; one submission).

Submission:

Mayo Clinic Laboratories, Mayo Clinic
Classification: Likely pathogenic. Last evaluated: 2023-07-11. Review status: criteria provided, single submitter. Criteria: ACMG Guidelines, 2015. Collection method: clinical testing. Allele origin: germline. Observed: 1 variant allele.
Comment: PP3, PM1, PM2